The following is an entry in ClinVar:

ClinVar aggregate classification (germline): Likely pathogenic (1 of 4 stars; one submission).

Conditions:
Autosomal recessive juvenile Parkinson disease 2. Also called: PARKINSON DISEASE, JUVENILE, AUTOSOMAL RECESSIVE; Parkinson disease autosomal recessive, early onset; Juvenile parkinsonism; Parkinsonism, early onset, with diurnal fluctuation; PRKN-Related Early-Onset Parkinson Disease; Parkinson disease, juvenile, type 2. Identifiers: Orphanet 2828, MedGen C1868675, MONDO:0010820, OMIM 600116.

gnomAD v4.1: 1 of 1,614,170 alleles (0.000062%); highest among the groups gnomAD compares: South Asian, 0.0011%; no homozygotes.

Submission:

Human Genetics Bochum, Ruhr University Bochum
Classification: Likely pathogenic for Autosomal recessive juvenile Parkinson disease 2. Last evaluated: 2025-06-02. Review status: criteria provided, single submitter. Criteria: ACMG Guidelines, 2015. Collection method: clinical testing. Allele origin: germline. Affected: yes.
Comment: was identified in compound heterozygous state with c.535-59_734+51del; ACMG criteria used to clasify this variant: PVS1, PM2_SUP

NM_004562.3(PRKN):c.934-1G>A

Gene: PRKN (parkin RBR E3 ubiquitin protein ligase; minus strand). Cytogenetic location: 6q26.
Variant type: single nucleotide variant.
Coding change: c.934-1G>A on transcript NM_004562.3 (MANE Select); the canonical splice acceptor site of the intron before coding-DNA position 934, G replaced by A.
Molecular consequence: splice acceptor variant.
Genome position (GRCh38, 1-based): chr6:161,549,004, C>T on the plus strand (G>A on the coding strand, the complement: PRKN is on the minus strand). VCF-style: chr6-161549004-C-T. GRCh37 (hg19) VCF-style: chr6-161970036-C-T.
Other names: c.487-1G>A (NM_013988.3); c.850-1G>A (NM_013987.3).
Identifiers: ClinVar variation 4687922 (VCV004687922.1).
Genomic context (GRCh38, chr6:161,549,004, plus strand): 5'-TAACACGCCCCCCATCTGCAGGACACACTCCTCTGCACCATACTGCTGGTACCGGTTGTA[C>T]TGCAAAACCCAAAAAGCAGATTGAGCTTTCAAACTGACTGCAAATTTCAGCCAAAGGGTT-3'